The following is an entry in ClinVar:

NM_022725.4(FANCF):c.1048C>T (p.Leu350Phe)

Genes: FANCF (FA complementation group F; minus strand), LOC130005443 (ATAC-STARR-seq lymphoblastoid active region 4533; plus strand). Cytogenetic location: 11p14.3.
Variant type: single nucleotide variant.
Coding change: c.1048C>T on transcript NM_022725.4 (MANE Select); coding-DNA position 1048, C replaced by T.
Protein change: p.Leu350Phe; replaces leucine 350 with phenylalanine.
Molecular consequence: missense variant.
Genome position (GRCh38, 1-based): chr11:22,624,763, G>A on the plus strand (C>T on the coding strand, the complement: FANCF is on the minus strand). VCF-style: chr11-22624763-G-A. GRCh37 (hg19) VCF-style: chr11-22646309-G-A.
Other names: c.1048C>T (NM_022725.3); short protein forms L350F.
Identifiers: ClinVar variation 1424808 (VCV001424808.9), dbSNP rs368170054, ClinGen allele CA5924202.

ClinVar aggregate classification (germline): Uncertain significance. Review status: criteria provided, multiple submitters, no conflicts (2 of 4 stars). 3 submissions from 3 submitters: Uncertain significance (3). Last evaluated 2025-11-17.

Conditions:
Fanconi anemia (FA). Also called: Fanconi's anemia. Identifiers: Orphanet 84, MedGen C0015625, MeSH D005199, MONDO:0019391.
Inborn genetic diseases. Identifiers: MedGen C0950123, MeSH D030342.

Allele frequency attached by ClinVar (database versions not stated): gnomAD 0.00004 and 0.00003; ESP Exome Variant Server 0.00008; gnomAD exomes 0.00002; ExAC 0.00003; TOPMed 0.00003.
gnomAD v4.1: 30 of 1,613,978 alleles (0.0019%); highest among the groups gnomAD compares: Middle Eastern, 0.099%; no homozygotes.

Submissions (3):

Dasa
Classification: Uncertain significance. Last evaluated: 2025-11-17. Review status: criteria provided, single submitter. Criteria: DASA Assertion Criteria. Collection method: clinical testing. Allele origin: germline.
Comment: NM_022725.4(FANCF):c.1048C>T (p.Leu350Phe) is a missense variant that results in the substitution of leucine with phenylalanine. This variant is rare in population databases. The currently available literature and clinical evidence are not sufficient to establish a definitive association between this variant and the reported condition. Therefore, this variant is classified as a variant of uncertain significance.

Labcorp Genetics (formerly Invitae), Labcorp
Classification: Uncertain significance for Fanconi anemia. Last evaluated: 2025-10-14. Review status: criteria provided, single submitter. Criteria: Invitae Variant Classification Sherloc (09022015). Collection method: clinical testing. Allele origin: germline.
Comment: This sequence change replaces leucine, which is neutral and non-polar, with phenylalanine, which is neutral and non-polar, at codon 350 of the FANCF protein (p.Leu350Phe). This variant is present in population databases (rs368170054, gnomAD 0.004%). This variant has not been reported in the literature in individuals affected with FANCF-related conditions. ClinVar contains an entry for this variant (Variation ID: 1424808). Invitae Evidence Modeling of protein sequence and biophysical properties (such as structural, functional, and spatial information, amino acid conservation, physicochemical variation, residue mobility, and thermodynamic stability) indicates that this missense variant is expected to disrupt FANCF protein function with a positive predictive value of 80%. In summary, the available evidence is currently insufficient to determine the role of this variant in disease. Therefore, it has been classified as a Variant of Uncertain Significance.

Ambry Genetics
Classification: Uncertain significance for Inborn genetic diseases. Last evaluated: 2024-12-28. Review status: criteria provided, single submitter. Criteria: Ambry Variant Classification Scheme 2023. Collection method: clinical testing. Allele origin: germline.